The following is an entry in ClinVar:

NM_001292063.2(OTOG):c.94+75G>A

Gene: OTOG (otogelin; plus strand). Cytogenetic location: 11p15.1.
Variant type: single nucleotide variant.
Coding change: c.94+75G>A on transcript NM_001292063.2 (MANE Select); 75 bases into the intron after coding-DNA position 94, G replaced by A.
Molecular consequence: intron variant. On other transcripts: missense variant (1).
Genome position (GRCh38, 1-based): chr11:17,547,541, G>A. VCF-style: chr11-17547541-G-A. GRCh37 (hg19) VCF-style: chr11-17569088-G-A.
Other names: c.169G>A, p.Ala57Thr (NM_001277269.2); c.169G>A (NM_001277269.1); short protein forms A57T.
Identifiers: ClinVar variation 1906860 (VCV001906860.4), dbSNP rs550807341, ClinGen allele CA379806832.

ClinVar aggregate classification (germline): Uncertain significance. Review status: criteria provided, multiple submitters, no conflicts (2 of 4 stars). 2 submissions from 2 submitters: Uncertain significance (2). Last evaluated 2025-07-28.

Submissions (2):

GeneDx
Classification: Uncertain significance. Last evaluated: 2025-07-28. Review status: criteria provided, single submitter. Criteria: GeneDx Variant Classification Process June 2021. Collection method: clinical testing. Allele origin: germline.
Comment: Not observed at significant frequency in large population cohorts (gnomAD); In silico analysis suggests that this missense variant does not alter protein structure/function; Has not been previously published as pathogenic or benign to our knowledge

Labcorp Genetics (formerly Invitae), Labcorp
Classification: Uncertain significance. Last evaluated: 2022-07-22. Review status: criteria provided, single submitter. Criteria: Invitae Variant Classification Sherloc (09022015). Collection method: clinical testing. Allele origin: germline.
Comment: This sequence change replaces alanine, which is neutral and non-polar, with threonine, which is neutral and polar, at codon 57 of the OTOG protein (p.Ala57Thr). This variant is not present in population databases (gnomAD no frequency). This variant has not been reported in the literature in individuals affected with OTOG-related conditions. Algorithms developed to predict the effect of missense changes on protein structure and function (SIFT, PolyPhen-2, Align-GVGD) all suggest that this variant is likely to be tolerated. In summary, the available evidence is currently insufficient to determine the role of this variant in disease. Therefore, it has been classified as a Variant of Uncertain Significance.